The following is an entry in ClinVar:

ClinVar aggregate classification (germline): Likely benign. Review status: criteria provided, multiple submitters, no conflicts (2 of 4 stars). 5 submissions from 5 submitters: Likely benign (4). 1 of the submissions does not count toward it. Last evaluated 2025-09-17.

Conditions:
DYNC1H1-related disorder. Also called: DYNC1H1-related condition; DYNC1H1-related disorders. Identifiers: MedGen CN381529.
Inborn genetic diseases. Identifiers: MedGen C0950123, MeSH D030342.
Charcot-Marie-Tooth disease axonal type 2O. Also called: CHARCOT-MARIE-TOOTH NEUROPATHY, AXONAL, TYPE 2O; CHARCOT-MARIE-TOOTH DISEASE, AXONAL, AUTOSOMAL DOMINANT, TYPE 2O; Charcot-Marie-Tooth disease, axonal, type 20; Charcot-Marie-Tooth Neuropathy Type 2O. Identifiers: Orphanet 284232, MedGen C3280220, MONDO:0013644, OMIM 614228.

Allele frequency attached by ClinVar (database versions not stated): gnomAD exomes 0.00004; ExAC 0.00006; gnomAD 0.00008; TOPMed 0.00009.
gnomAD v4.1: 40 of 1,613,632 alleles (0.0025%); highest among the groups gnomAD compares: African/African-American, 0.029%; no homozygotes.

Submissions (5):

Labcorp Genetics (formerly Invitae), Labcorp
Classification: Likely benign for Charcot-Marie-Tooth disease axonal type 2O. Last evaluated: 2025-09-17. Review status: criteria provided, single submitter. Criteria: Invitae Variant Classification Sherloc (09022015). Collection method: clinical testing. Allele origin: germline.

GeneDx
Classification: Likely benign. Last evaluated: 2022-03-15. Review status: criteria provided, single submitter. Criteria: GeneDx Variant Classification Process June 2021. Collection method: clinical testing. Allele origin: germline. Affected: yes.
Comment: See Variant Classification Assertion Criteria.

CeGaT Center for Human Genetics Tuebingen
Classification: Likely benign. Last evaluated: 2020-11-01. Review status: criteria provided, single submitter. Criteria: CeGaT Center For Human Genetics Tuebingen Variant Classification Criteria Version 2. Collection method: clinical testing. Allele origin: germline. Affected: yes. Observed: 1 variant allele.

Ambry Genetics
Classification: Likely benign for Inborn genetic diseases. Last evaluated: 2017-12-14. Review status: criteria provided, single submitter. Criteria: Ambry Variant Classification Scheme 2023. Collection method: clinical testing. Allele origin: germline.

PreventionGenetics, part of Exact Sciences
Classification: Likely benign for DYNC1H1-related condition. Last evaluated: 2024-05-30. Review status: no assertion criteria provided. Collection method: clinical testing. Allele origin: germline. Not counted in ClinVar's aggregate classification.
Comment: This variant is classified as likely benign based on ACMG/AMP sequence variant interpretation guidelines (Richards et al. 2015 PMID: 25741868, with internal and published modifications).

NM_001376.5(DYNC1H1):c.8199C>T (p.Val2733=)

Gene: DYNC1H1 (dynein cytoplasmic 1 heavy chain 1; plus strand). Cytogenetic location: 14q32.31.
Variant type: single nucleotide variant.
Coding change: c.8199C>T on transcript NM_001376.5 (MANE Select); coding-DNA position 8199, C replaced by T.
Protein change: p.Val2733=; no amino-acid change (valine 2733 retained).
Molecular consequence: synonymous variant.
Genome position (GRCh38, 1-based): chr14:102,018,472, C>T. VCF-style: chr14-102018472-C-T. GRCh37 (hg19) VCF-style: chr14-102484809-C-T.
Identifiers: ClinVar variation 391558 (VCV000391558.51), dbSNP rs770775119, ClinGen allele CA7352971.